The following is an entry in ClinVar:

ClinVar aggregate classification (germline): Uncertain significance (1 of 4 stars; one submission).

Conditions:
Malignant hyperthermia, susceptibility to, 5 (MHS5). Also called: CACNA1S-Related Malignant Hyperthermia Susceptibility. Identifiers: Orphanet 423, MedGen C1866077, MONDO:0011163, OMIM 601887.

Submission:

Color Diagnostics, LLC DBA Color Health
Classification: Uncertain significance for Malignant hyperthermia, susceptibility to, 5. Last evaluated: 2025-06-03. Review status: criteria provided, single submitter. Criteria: ACMG Guidelines, 2015. Collection method: clinical testing. Allele origin: germline.
Comment: This variant changes 1 nucleotide in exon 44 of the CACNA1S gene, creating a premature stop signal in the last coding exon. The mutant transcript is expected to escape nonsense-mediated decay and be expressed as a truncated protein product. To our knowledge, functional studies have not been reported for this variant. To our knowledge, this variant has not been reported in individuals affected with CACNA1S-related disorders in the literature. This variant has been identified in 1/251294 chromosomes in the general population by the Genome Aggregation Database (gnomAD). The available evidence is insufficient to determine the role of this variant in disease conclusively. Therefore, this variant is classified as a Variant of Uncertain Significance.

NM_000069.3(CACNA1S):c.5434C>T (p.Gln1812Ter)

Gene: CACNA1S (calcium voltage-gated channel subunit alpha1 S; minus strand). Cytogenetic location: 1q32.1.
Variant type: single nucleotide variant.
Coding change: c.5434C>T on transcript NM_000069.3 (MANE Select); coding-DNA position 5434, C replaced by T.
Protein change: p.Gln1812Ter; replaces glutamine 1812 with a stop codon.
Molecular consequence: nonsense.
Genome position (GRCh38, 1-based): chr1:201,040,019, G>A on the plus strand (C>T on the coding strand, the complement: CACNA1S is on the minus strand). VCF-style: chr1-201040019-G-A. GRCh37 (hg19) VCF-style: chr1-201009147-G-A.
Other names: short protein forms Q1812*.
Identifiers: ClinVar variation 4758329 (VCV004758329.1).